The following is an entry in ClinVar:

ClinVar aggregate classification (germline): Uncertain significance. Review status: criteria provided, multiple submitters, no conflicts (2 of 4 stars). 2 submissions from 2 submitters: Uncertain significance (2). Last evaluated 2025-08-19.

Allele frequency attached by ClinVar (database versions not stated): ESP Exome Variant Server 0.00008.

Submissions (2):

Ambry Genetics
Classification: Uncertain significance. Last evaluated: 2025-08-19. Review status: criteria provided, single submitter. Criteria: Ambry Variant Classification Scheme 2023. Collection method: clinical testing. Allele origin: germline.

Labcorp Genetics (formerly Invitae), Labcorp
Classification: Uncertain significance. Last evaluated: 2022-04-04. Review status: criteria provided, single submitter. Criteria: Invitae Variant Classification Sherloc (09022015). Collection method: clinical testing. Allele origin: germline.
Comment: In summary, the available evidence is currently insufficient to determine the role of this variant in disease. Therefore, it has been classified as a Variant of Uncertain Significance. Algorithms developed to predict the effect of missense changes on protein structure and function output the following: SIFT: "Tolerated"; PolyPhen-2: "Benign"; Align-GVGD: "Class C0". The glutamine amino acid residue is found in multiple mammalian species, which suggests that this missense change does not adversely affect protein function. This variant has not been reported in the literature in individuals affected with PLTP-related conditions. This variant is present in population databases (rs373043557, gnomAD 0.03%). This sequence change replaces arginine, which is basic and polar, with glutamine, which is neutral and polar, at codon 380 of the PLTP protein (p.Arg380Gln).

NM_006227.4(PLTP):c.1139G>A (p.Arg380Gln)

Gene: PLTP (phospholipid transfer protein; minus strand). Cytogenetic location: 20q13.12.
Variant type: single nucleotide variant.
Coding change: c.1139G>A on transcript NM_006227.4 (MANE Select); coding-DNA position 1139, G replaced by A.
Protein change: p.Arg380Gln; replaces arginine 380 with glutamine.
Molecular consequence: missense variant.
Genome position (GRCh38, 1-based): chr20:45,902,303, C>T on the plus strand (G>A on the coding strand, the complement: PLTP is on the minus strand). VCF-style: chr20-45902303-C-T. GRCh37 (hg19) VCF-style: chr20-44530942-C-T.
Other names: c.1139G>A (NM_006227.3); c.854G>A, p.Arg285Gln (NM_001242920.2); c.875G>A, p.Arg292Gln (NM_001242921.1); c.983G>A, p.Arg328Gln (NM_182676.3); short protein forms R292Q, R380Q, R328Q, R285Q.
Identifiers: ClinVar variation 2175201 (VCV002175201.5), dbSNP rs373043557, ClinGen allele CA9883599.